The following is an entry in ClinVar:

ClinVar aggregate classification (germline): Likely benign (1 of 4 stars; one submission).

gnomAD v4.1: 28 of 1,614,130 alleles (0.0017%); highest among the groups gnomAD compares: Non-Finnish European, 0.002%; no homozygotes.

Submission:

CeGaT Center for Human Genetics Tuebingen
Classification: Likely benign. Last evaluated: 2025-06-01. Review status: criteria provided, single submitter. Criteria: CeGaT Center For Human Genetics Tuebingen Variant Classification Criteria Version 2. Collection method: clinical testing. Allele origin: germline. Affected: yes. Observed: 1 variant allele.
Comment: KDM5A: BP4, BP7

NM_001042603.3(KDM5A):c.1863A>G (p.Ala621=)

Gene: KDM5A (lysine demethylase 5A; minus strand). Cytogenetic location: 12p13.33.
Variant type: single nucleotide variant.
Coding change: c.1863A>G on transcript NM_001042603.3 (MANE Select); coding-DNA position 1863, A replaced by G.
Protein change: p.Ala621=; no amino-acid change (alanine 621 retained).
Molecular consequence: synonymous variant.
Genome position (GRCh38, 1-based): chr12:328,940, T>C on the plus strand (A>G on the coding strand, the complement: KDM5A is on the minus strand). VCF-style: chr12-328940-T-C. GRCh37 (hg19) VCF-style: chr12-438106-T-C.
Identifiers: ClinVar variation 4084691 (VCV004084691.8).
Genomic context (GRCh38, chr12:328,940, plus strand): 5'-GAGAGTCAATTCTTTGCAGACCATGGCAGCCAGCCCCACATCTAAGCATTCTGGATCTGC[T>C]GCCATCTTGAAAATTAGTTCCTCGTGTGAAAAGACACAGTGGCGCCTTAGGCGTCGGTAA-3'
Protein context (NP_001036068.1, residues 611-631): FSHEELIFKM[Ala621=]ADPECLDVGL